The following is an entry in ClinVar:

ClinVar aggregate classification (germline): Uncertain significance. Review status: criteria provided, multiple submitters, no conflicts (2 of 4 stars). 2 submissions from 2 submitters: Uncertain significance (2). Last evaluated 2023-12-13.

Allele frequency attached by ClinVar (database versions not stated): gnomAD exomes below 0.00001; TOPMed below 0.00001.

Submissions (2):

Labcorp Genetics (formerly Invitae), Labcorp
Classification: Uncertain significance. Last evaluated: 2023-12-13. Review status: criteria provided, single submitter. Criteria: Invitae Variant Classification Sherloc (09022015). Collection method: clinical testing. Allele origin: germline.
Comment: This sequence change replaces valine, which is neutral and non-polar, with alanine, which is neutral and non-polar, at codon 531 of the TRPV3 protein (p.Val531Ala). This variant is not present in population databases (gnomAD no frequency). This variant has not been reported in the literature in individuals affected with TRPV3-related conditions. ClinVar contains an entry for this variant (Variation ID: 1190761). An algorithm developed to predict the effect of missense changes on protein structure and function (PolyPhen-2) suggests that this variant is likely to be tolerated. In summary, the available evidence is currently insufficient to determine the role of this variant in disease. Therefore, it has been classified as a Variant of Uncertain Significance.

GeneDx
Classification: Uncertain significance. Last evaluated: 2019-05-10. Review status: criteria provided, single submitter. Criteria: GeneDx Variant Classification Process June 2021. Collection method: clinical testing. Allele origin: germline. Affected: yes.
Comment: Not observed in large population cohorts (Lek et al., 2016); In silico analysis, which includes protein predictors and evolutionary conservation, supports a deleterious effect; Has not been previously published as pathogenic or benign to our knowledge

NM_145068.4(TRPV3):c.1592T>C (p.Val531Ala)

Gene: TRPV3 (transient receptor potential cation channel subfamily V member 3; minus strand). Cytogenetic location: 17p13.2.
Variant type: single nucleotide variant.
Coding change: c.1592T>C on transcript NM_145068.4 (MANE Select); coding-DNA position 1592, T replaced by C.
Protein change: p.Val531Ala; replaces valine 531 with alanine.
Molecular consequence: missense variant.
Genome position (GRCh38, 1-based): chr17:3,524,349, A>G on the plus strand (T>C on the coding strand, the complement: TRPV3 is on the minus strand). VCF-style: chr17-3524349-A-G. GRCh37 (hg19) VCF-style: chr17-3427643-A-G.
Other names: c.1592T>C, p.Val531Ala (NM_001258205.2); short protein forms V531A.
Identifiers: ClinVar variation 1190761 (VCV001190761.5), dbSNP rs2074275796, ClinGen allele CA397682004.